The following is an entry in ClinVar:

NM_000287.4(PEX6):c.1687del (p.Ser563fs)

Gene: PEX6 (peroxisomal biogenesis factor 6; minus strand). Cytogenetic location: 6p21.1.
Variant type: Deletion.
Coding change: c.1687del on transcript NM_000287.4 (MANE Select); coding-DNA position 1687, one base deleted (A; older notation c.1687delA).
Protein change: p.Ser563fs; shifts the reading frame from serine 563.
Molecular consequence: frameshift variant. On other transcripts: non-coding transcript variant (1).
Genome position (GRCh38, 1-based): chr6:42,968,291, T deleted on the plus strand (A on the coding strand, the reverse complement: PEX6 is on the minus strand). VCF-style (leftmost placement, unchanged base first): chr6-42968290-CT-C. GRCh37 (hg19) VCF-style: chr6-42936028-CT-C.
Other names: c.1423del, p.Ser475fs (NM_001316313.2); short protein forms S475fs, S563fs.
Identifiers: ClinVar variation 5015767 (VCV005015767.1).

ClinVar aggregate classification (germline): Pathogenic (1 of 4 stars; one submission).

Conditions:
Peroxisome biogenesis disorder. Identifiers: Orphanet 79189, MedGen C1832200, MONDO:0019234. Disease mechanism: loss of function.

Submission:

Myriad Genetics, Inc.
Classification: Pathogenic for Peroxisome biogenesis disorder. Last evaluated: 2026-04-04. Review status: criteria provided, single submitter. Criteria: Myriad Autosomal Dominant, Autosomal Recessive and X-Linked Classification Criteria (2023). Collection method: clinical testing. Allele origin: unknown.
Comment: NM_000287.3(PEX6):c.1687delA(S563Afs*56) is expected to be pathogenic in the context of peroxisome biogenesis disorder type 4. This variant is predicted to lead to an abnormal or absent protein product due to the creation of a premature termination codon in PEX6, a gene where loss-of-function variants are known to be pathogenic. Please note: this variant was assessed in the context of healthy population screening.